The following is an entry in ClinVar:

NM_032043.3(BRIP1):c.3545C>T (p.Ala1182Val)

Gene: BRIP1 (BRCA1 interacting DNA helicase 1; minus strand). Cytogenetic location: 17q23.2.
Variant type: single nucleotide variant.
Coding change: c.3545C>T on transcript NM_032043.3 (MANE Select); coding-DNA position 3545, C replaced by T.
Protein change: p.Ala1182Val; replaces alanine 1182 with valine.
Molecular consequence: missense variant.
Genome position (GRCh38, 1-based): chr17:61,683,501, G>A on the plus strand (C>T on the coding strand, the complement: BRIP1 is on the minus strand). VCF-style: chr17-61683501-G-A. GRCh37 (hg19) VCF-style: chr17-59760862-G-A.
Other names: short protein forms A1182V.
Identifiers: ClinVar variation 3482469 (VCV003482469.2).

ClinVar aggregate classification (germline): Conflicting classifications of pathogenicity. Review status: criteria provided, conflicting classifications (1 of 4 stars). 2 submissions from 2 submitters: Uncertain significance (1); Likely benign (1). Last evaluated 2025-05-06.

Conditions:
Fanconi anemia complementation group J. Also called: BRIP1-Related Fanconi Anemia. Identifiers: Orphanet 84, MedGen C1836860, MONDO:0012187, OMIM 609054.
Familial cancer of breast. Also called: Hereditary breast cancer; hereditary breast carcinoma; BREAST CANCER, FAMILIAL. Identifiers: Orphanet 227535, MedGen C0346153, MONDO:0016419, OMIM 114480. Disease mechanism: loss of function.
Hereditary cancer-predisposing syndrome. Also called: Hereditary Cancer Syndrome; Hereditary neoplastic syndrome; Neoplastic Syndromes, Hereditary; Tumor predisposition. Identifiers: Orphanet 140162, MedGen C0027672, MeSH D009386, MONDO:0015356.

gnomAD v4.1: 1 of 1,613,328 alleles (0.000062%); highest among the groups gnomAD compares: Non-Finnish European, 0.000085%; no homozygotes.

Submissions (2):

Labcorp Genetics (formerly Invitae), Labcorp
Classification: Uncertain significance for Familial cancer of breast; Fanconi anemia complementation group J. Last evaluated: 2025-05-06. Review status: criteria provided, single submitter. Criteria: Invitae Variant Classification Sherloc (09022015). Collection method: clinical testing. Allele origin: germline.
Comment: This sequence change replaces alanine, which is neutral and non-polar, with valine, which is neutral and non-polar, at codon 1182 of the BRIP1 protein (p.Ala1182Val). This variant is not present in population databases (gnomAD no frequency). This variant has not been reported in the literature in individuals affected with BRIP1-related conditions. ClinVar contains an entry for this variant (Variation ID: 3482469). Invitae Evidence Modeling of protein sequence and biophysical properties (such as structural, functional, and spatial information, amino acid conservation, physicochemical variation, residue mobility, and thermodynamic stability) indicates that this missense variant is not expected to disrupt BRIP1 protein function with a negative predictive value of 95%. In summary, the available evidence is currently insufficient to determine the role of this variant in disease. Therefore, it has been classified as a Variant of Uncertain Significance.

Ambry Genetics
Classification: Likely benign for Hereditary cancer-predisposing syndrome. Last evaluated: 2024-11-02. Review status: criteria provided, single submitter. Criteria: Ambry Variant Classification Scheme 2023. Collection method: clinical testing. Allele origin: germline.